The following is an entry in ClinVar:

ClinVar aggregate classification (germline): Likely benign. Review status: criteria provided, multiple submitters, no conflicts (2 of 4 stars). 4 submissions from 4 submitters: Likely benign (4). Last evaluated 2024-08-12.

Conditions:
Cardiovascular phenotype. Identifiers: MedGen CN230736.
Catecholaminergic polymorphic ventricular tachycardia (CVPT). Also called: Catecholamine-induced polymorphic ventricular tachycardia. Identifiers: Orphanet 3286, MedGen C5574922, MONDO:0017990.
Cardiomyopathy (CMYO). Also called: Cardiomyopathies. Identifiers: Orphanet 167848, MedGen C0878544, MONDO:0004994, HP:0001638. Inheritance: Various modes of inheritance.
Catecholaminergic polymorphic ventricular tachycardia 1. Also called: RYR2-Related Catecholaminergic Polymorphic Ventricular Tachycardia; VENTRICULAR TACHYCARDIA, CATECHOLAMINERGIC POLYMORPHIC, 1, WITH OR WITHOUT ATRIAL DYSFUNCTION AND/OR DILATED CARDIOMYOPATHY; VENTRICULAR TACHYCARDIA, STRESS-INDUCED POLYMORPHIC 1. Identifiers: Orphanet 3286, MedGen C1631597, MONDO:0011484, OMIM 604772.

Allele frequency attached by ClinVar (database versions not stated): ExAC 0.00002; gnomAD exomes 0.00003; gnomAD 0.00006.
gnomAD v4.1: 40 of 1,613,870 alleles (0.0025%); highest among the groups gnomAD compares: Middle Eastern, 0.016%; no homozygotes.

Submissions (4):

Labcorp Genetics (formerly Invitae), Labcorp
Classification: Likely benign for Catecholaminergic polymorphic ventricular tachycardia 1. Last evaluated: 2024-08-12. Review status: criteria provided, single submitter. Criteria: Invitae Variant Classification Sherloc (09022015). Collection method: clinical testing. Allele origin: germline.

All of Us Research Program, National Institutes of Health
Classification: Likely benign for Catecholaminergic polymorphic ventricular tachycardia. Last evaluated: 2023-10-02. Review status: criteria provided, single submitter. Criteria: ACMG Guidelines, 2015. Collection method: clinical testing. Allele origin: germline. Inheritance: Autosomal dominant inheritance. Observed: 3 variant alleles, 3 heterozygotes.
Comment: This study involves interpretation of variants in research participants for the purpose of population health screening. Participant phenotype was not available at the time of variant classification. Additional details can be found in publication PMID: 35346344, PMCID: PMC8962531

Color Diagnostics, LLC DBA Color Health
Classification: Likely benign for Cardiomyopathy. Last evaluated: 2018-12-01. Review status: criteria provided, single submitter. Criteria: ACMG Guidelines, 2015. Collection method: clinical testing. Allele origin: germline.

Ambry Genetics
Classification: Likely benign for Cardiovascular phenotype. Last evaluated: 2016-12-09. Review status: criteria provided, single submitter. Criteria: Ambry Variant Classification Scheme 2023. Collection method: clinical testing. Allele origin: germline.

NM_001035.3(RYR2):c.5253C>T (p.Ile1751=)

Gene: RYR2 (ryanodine receptor 2; plus strand). Cytogenetic location: 1q43.
Variant type: single nucleotide variant.
Coding change: c.5253C>T on transcript NM_001035.3 (MANE Select); coding-DNA position 5253, C replaced by T.
Protein change: p.Ile1751=; no amino-acid change (isoleucine 1751 retained).
Molecular consequence: synonymous variant.
Genome position (GRCh38, 1-based): chr1:237,614,381, C>T. VCF-style: chr1-237614381-C-T. GRCh37 (hg19) VCF-style: chr1-237777681-C-T.
Other names: c.5253C>T, p.Ile1751= (LRG_402t1).
Identifiers: ClinVar variation 519368 (VCV000519368.18), dbSNP rs745565940, ClinGen allele CA086858.